The following is an entry in ClinVar:

ClinVar aggregate classification (germline): Uncertain significance (1 of 4 stars; one submission).

Conditions:
Epidermolysis bullosa simplex 3, localized or generalized intermediate, with BP230 deficiency (EBS3). Also called: Epidermolysis bullosa simplex due to BP230 deficiency; Epidermolysis bullosa simplex, autosomal recessive 2. Identifiers: Orphanet 412181, MedGen C3809470, MONDO:0014180, OMIM 615425.
Hereditary sensory and autonomic neuropathy type 6. Also called: Neuropathy, hereditary sensory and autonomic, type VI; HSAN VI. Identifiers: Orphanet 314381, MedGen C3539003, MONDO:0013839, OMIM 614653.

gnomAD v4.1: 9 of 1,612,170 alleles (0.00056%); highest among the groups gnomAD compares: East Asian, 0.0022%; no homozygotes.

Submission:

Labcorp Genetics (formerly Invitae), Labcorp
Classification: Uncertain significance for Epidermolysis bullosa simplex 3, localized or generalized intermediate, with BP230 deficiency; Hereditary sensory and autonomic neuropathy type 6. Last evaluated: 2024-08-06. Review status: criteria provided, single submitter. Criteria: Invitae Variant Classification Sherloc (09022015). Collection method: clinical testing. Allele origin: germline.
Comment: The DST gene has multiple clinically relevant transcripts. This variant occurs in alternate transcript NM_015548.4, and corresponds to NM_001723.5:c.*122458A>G in the primary transcript. This sequence change replaces methionine, which is neutral and non-polar, with valine, which is neutral and non-polar, at codon 4186 of the DST protein (p.Met4186Val). This variant is present in population databases (rs748600276, gnomAD 0.006%). This variant has not been reported in the literature in individuals affected with DST-related conditions. Experimental studies and prediction algorithms are not available or were not evaluated, and the functional significance of this variant is currently unknown. In summary, the available evidence is currently insufficient to determine the role of this variant in disease. Therefore, it has been classified as a Variant of Uncertain Significance.

NM_001374736.1(DST):c.20425A>G (p.Met6809Val)

Gene: DST (dystonin; minus strand). Cytogenetic location: 6p12.1.
Variant type: single nucleotide variant.
Coding change: c.20425A>G on transcript NM_001374736.1 (MANE Select); coding-DNA position 20425, A replaced by G.
Protein change: p.Met6809Val; replaces methionine 6809 with valine.
Molecular consequence: missense variant.
Genome position (GRCh38, 1-based): chr6:56,493,059, T>C on the plus strand (A>G on the coding strand, the complement: DST is on the minus strand). VCF-style: chr6-56493059-T-C. GRCh37 (hg19) VCF-style: chr6-56357857-T-C.
Other names: c.14068A>G, p.Met4690Val (NM_001144769.5); c.13654A>G, p.Met4552Val (NM_001144770.2); c.20425A>G, p.Met6809Val (NM_001374722.1); c.19465A>G, p.Met6489Val (NM_001374729.1); c.13207A>G, p.Met4403Val (NM_001374730.1); c.20452A>G, p.Met6818Val (NM_001374734.1); c.13534A>G, p.Met4512Val (NM_001386100.1, NM_183380.4); c.12556A>G, p.Met4186Val (NM_015548.5); short protein forms M4186V, M4403V, M4512V, M4552V, M4690V, M6489V, M6809V, M6818V.
Identifiers: ClinVar variation 3762312 (VCV003762312.2).